The following is an entry in ClinVar:

ClinVar aggregate classification (germline): Uncertain significance (1 of 4 stars; one submission).

Conditions:
MHC class II deficiency. Also called: Bare lymphocyte syndrome 2; BLS, TYPE II. Identifiers: Orphanet 572, MedGen C5447452, MONDO:0008855.

Allele frequency attached by ClinVar (database versions not stated): TOPMed below 0.00001; gnomAD 0.00001; gnomAD exomes 0.00001 and 0.00004.

Submission:

Labcorp Genetics (formerly Invitae), Labcorp
Classification: Uncertain significance for MHC class II deficiency. Last evaluated: 2021-08-26. Review status: criteria provided, single submitter. Criteria: Invitae Variant Classification Sherloc (09022015). Collection method: clinical testing. Allele origin: germline.
Comment: This sequence change replaces lysine with arginine at codon 168 of the RFXAP protein (p.Lys168Arg). The lysine residue is highly conserved and there is a small physicochemical difference between lysine and arginine. This variant is not present in population databases (ExAC no frequency). This variant has not been reported in the literature in individuals affected with RFXAP-related conditions. Algorithms developed to predict the effect of missense changes on protein structure and function (SIFT, PolyPhen-2, Align-GVGD) all suggest that this variant is likely to be disruptive. In summary, the available evidence is currently insufficient to determine the role of this variant in disease. Therefore, it has been classified as a Variant of Uncertain Significance.

NM_000538.4(RFXAP):c.503A>G (p.Lys168Arg)

Genes: RFXAP (regulatory factor X associated protein; plus strand), LOC130009575 (ATAC-STARR-seq lymphoblastoid active region 7590; plus strand). Cytogenetic location: 13q13.3.
Variant type: single nucleotide variant.
Coding change: c.503A>G on transcript NM_000538.4 (MANE Select); coding-DNA position 503, A replaced by G.
Protein change: p.Lys168Arg; replaces lysine 168 with arginine.
Molecular consequence: missense variant.
Genome position (GRCh38, 1-based): chr13:36,819,860, A>G. VCF-style: chr13-36819860-A-G. GRCh37 (hg19) VCF-style: chr13-37393997-A-G.
Other names: short protein forms K168R.
Identifiers: ClinVar variation 649012 (VCV000649012.6), dbSNP rs1437034327, ClinGen allele CA387855900.